The following is an entry in ClinVar:

ClinVar aggregate classification (germline): Uncertain significance (1 of 4 stars; one submission).

Submission:

Labcorp Genetics (formerly Invitae), Labcorp
Classification: Uncertain significance. Last evaluated: 2024-05-31. Review status: criteria provided, single submitter. Criteria: Invitae Variant Classification Sherloc (09022015). Collection method: clinical testing. Allele origin: germline.
Comment: This sequence change replaces glycine, which is neutral and non-polar, with arginine, which is basic and polar, at codon 380 of the ACO2 protein (p.Gly380Arg). This variant also falls at the last nucleotide of exon 9, which is part of the consensus splice site for this exon. This variant is not present in population databases (gnomAD no frequency). This variant has not been reported in the literature in individuals affected with ACO2-related conditions. An algorithm developed to predict the effect of missense changes on protein structure and function (PolyPhen-2) suggests that this variant is likely to be disruptive. Variants that disrupt the consensus splice site are a relatively common cause of aberrant splicing (PMID: 17576681, 9536098). Algorithms developed to predict the effect of sequence changes on RNA splicing suggest that this variant may disrupt the consensus splice site. In summary, the available evidence is currently insufficient to determine the role of this variant in disease. Therefore, it has been classified as a Variant of Uncertain Significance.

Literature cited by the submitters: PubMed 17576681; PubMed 9536098.

NM_001098.3(ACO2):c.1138G>C (p.Gly380Arg)

Gene: ACO2 (aconitase 2; plus strand). Cytogenetic location: 22q13.2.
Variant type: single nucleotide variant.
Coding change: c.1138G>C on transcript NM_001098.3 (MANE Select); coding-DNA position 1138, G replaced by C.
Protein change: p.Gly380Arg; replaces glycine 380 with arginine.
Molecular consequence: missense variant.
Genome position (GRCh38, 1-based): chr22:41,520,276, G>C. VCF-style: chr22-41520276-G-C. GRCh37 (hg19) VCF-style: chr22-41916280-G-C.
Other names: short protein forms G380R.
Identifiers: ClinVar variation 3655202 (VCV003655202.2).